The following is an entry in ClinVar:

ClinVar aggregate classification (germline): Conflicting classifications of pathogenicity. Review status: criteria provided, conflicting classifications (1 of 4 stars). 3 submissions from 3 submitters: Likely pathogenic (2); Uncertain significance (1). Last evaluated 2024-05-30.

Conditions:
Complex cortical dysplasia with other brain malformations 1. Identifiers: Orphanet 300570, MedGen C3808397, MONDO:0013541, OMIM 614039.

Submissions (3):

GeneDx
Classification: Likely pathogenic. Last evaluated: 2024-05-30. Review status: criteria provided, single submitter. Criteria: GeneDx Variant Classification Process June 2021. Collection method: clinical testing. Allele origin: germline.
Comment: Not observed at significant frequency in large population cohorts (gnomAD); Missense variants in this gene are a common cause of disease and they are underrepresented in the general population; In silico analysis indicates that this missense variant does not alter protein structure/function; Has not been previously published as pathogenic or benign to our knowledge; This variant is associated with the following publications: (PMID: 20829227)

Institute of Human Genetics, University of Leipzig Medical Center
Classification: Likely pathogenic for Complex cortical dysplasia with other brain malformations 1. Last evaluated: 2023-08-09. Review status: criteria provided, single submitter. Criteria: ACMG Guidelines, 2015. Collection method: clinical testing. Allele origin: de novo. Inheritance: Autosomal dominant inheritance. Affected: yes.
Comment: Criteria applied: PS2,PS4_MOD,PM2_SUP,PP2,PP4

Labcorp Genetics (formerly Invitae), Labcorp
Classification: Uncertain significance. Last evaluated: 2022-03-11. Review status: criteria provided, single submitter. Criteria: Invitae Variant Classification Sherloc (09022015). Collection method: clinical testing. Allele origin: germline.
Comment: In summary, the available evidence is currently insufficient to determine the role of this variant in disease. Therefore, it has been classified as a Variant of Uncertain Significance. Algorithms developed to predict the effect of missense changes on protein structure and function are either unavailable or do not agree on the potential impact of this missense change (SIFT: "Deleterious"; PolyPhen-2: "Benign"; Align-GVGD: "Class C25"). This variant has not been reported in the literature in individuals affected with TUBB3-related conditions. This variant is not present in population databases (gnomAD no frequency). This sequence change replaces arginine, which is basic and polar, with lysine, which is basic and polar, at codon 2 of the TUBB3 protein (p.Arg2Lys).

NM_006086.4(TUBB3):c.5G>A (p.Arg2Lys)

Genes: TUBB3 (tubulin beta 3 class III; plus strand), LOC130059847 (ATAC-STARR-seq lymphoblastoid silent region 7932; plus strand). Cytogenetic location: 16q24.3.
Variant type: single nucleotide variant.
Coding change: c.5G>A on transcript NM_006086.4 (MANE Select); coding-DNA position 5, G replaced by A.
Protein change: p.Arg2Lys; replaces arginine 2 with lysine.
Molecular consequence: missense variant. On other transcripts: intron variant (1).
Genome position (GRCh38, 1-based): chr16:89,923,406, G>A. VCF-style: chr16-89923406-G-A. GRCh37 (hg19) VCF-style: chr16-89989814-G-A.
Other names: c.5G>A (NM_006086.3); c.-160+1161G>A (NM_001197181.2); short protein forms R2K.
Identifiers: ClinVar variation 2108986 (VCV002108986.9), dbSNP rs2544615173, ClinGen allele CA397466776.